The following is an entry in ClinVar:

NM_052947.4(ALPK2):c.3186T>A (p.Ser1062Arg)

Gene: ALPK2 (alpha kinase 2; minus strand). Cytogenetic location: 18q21.31.
Variant type: single nucleotide variant.
Coding change: c.3186T>A on transcript NM_052947.4 (MANE Select); coding-DNA position 3186, T replaced by A.
Protein change: p.Ser1062Arg; replaces serine 1062 with arginine.
Molecular consequence: missense variant.
Genome position (GRCh38, 1-based): chr18:58,537,001, A>T on the plus strand (T>A on the coding strand, the complement: ALPK2 is on the minus strand). VCF-style: chr18-58537001-A-T. GRCh37 (hg19) VCF-style: chr18-56204233-A-T.
Other names: short protein forms S1062R.
Identifiers: ClinVar variation 1728595 (VCV001728595.2), dbSNP rs2518876782, ClinGen allele CA402568918.
Genomic context (GRCh38, chr18:58,537,001, plus strand): 5'-GACTCCTGGCACACTGGGTGCCCTGCAAAGTAGCTCTTTTGTAGATTTGATGGTAGCACC[A>T]CTTAAAATATGATCCAACTGCACTTGGGAAGGAAATTGGGAAACCTTTTCATGGGATGCA-3'
Protein context (NP_443179.3, residues 1052-1072): PSQVQLDHIL[Ser1062Arg]GATIKSTKEL

ClinVar aggregate classification (germline): Uncertain significance (1 of 4 stars; one submission).

Submission:

Ambry Genetics
Classification: Uncertain significance. Last evaluated: 2021-08-21. Review status: criteria provided, single submitter. Criteria: Ambry Variant Classification Scheme 2023. Collection method: clinical testing. Allele origin: germline.
Comment: The p.S1062R variant (also known as c.3186T>A), located in coding exon 4 of the ALPK2 gene, results from a T to A substitution at nucleotide position 3186. The serine at codon 1062 is replaced by arginine, an amino acid with dissimilar properties. This amino acid position is conserved. In addition, this alteration is predicted to be tolerated by in silico analysis. Since supporting evidence is limited at this time, the clinical significance of this alteration remains unclear.